The following is an entry in ClinVar:

NM_052947.4(ALPK2):c.6148T>G (p.Phe2050Val)

Gene: ALPK2 (alpha kinase 2; minus strand). Cytogenetic location: 18q21.31.
Variant type: single nucleotide variant.
Coding change: c.6148T>G on transcript NM_052947.4 (MANE Select); coding-DNA position 6148, T replaced by G.
Protein change: p.Phe2050Val; replaces phenylalanine 2050 with valine.
Molecular consequence: missense variant.
Genome position (GRCh38, 1-based): chr18:58,504,030, A>C on the plus strand (T>G on the coding strand, the complement: ALPK2 is on the minus strand). VCF-style: chr18-58504030-A-C. GRCh37 (hg19) VCF-style: chr18-56171262-A-C.
Other names: short protein forms F2050V.
Identifiers: ClinVar variation 1751863 (VCV001751863.3), dbSNP rs1316185675, ClinGen allele CA402544041.

ClinVar aggregate classification (germline): Uncertain significance (1 of 4 stars; one submission).

Allele frequency attached by ClinVar (database versions not stated): TOPMed below 0.00001; gnomAD exomes 0.00001.
gnomAD v4.1: 17 of 1,614,236 alleles (0.0011%); highest among the groups gnomAD compares: Non-Finnish European, 0.0014%; no homozygotes.

Submission:

Ambry Genetics
Classification: Uncertain significance. Last evaluated: 2024-07-03. Review status: criteria provided, single submitter. Criteria: Ambry Variant Classification Scheme 2023. Collection method: clinical testing. Allele origin: germline.
Comment: The p.F2050V variant (also known as c.6148T>G), located in coding exon 10 of the ALPK2 gene, results from a T to G substitution at nucleotide position 6148. The phenylalanine at codon 2050 is replaced by valine, an amino acid with highly similar properties. This amino acid position is conserved. In addition, this alteration is predicted to be tolerated by in silico analysis. Since supporting evidence is limited at this time, the clinical significance of this alteration remains unclear.